The following is an entry in ClinVar:

ClinVar aggregate classification (germline): Pathogenic (1 of 4 stars; one submission).

Conditions:
Cardiovascular phenotype. Identifiers: MedGen CN230736.
Hereditary cancer-predisposing syndrome. Also called: Neoplastic Syndromes, Hereditary; Tumor predisposition; Hereditary Cancer Syndrome; Hereditary neoplastic syndrome. Identifiers: Orphanet 140162, MedGen C0027672, MeSH D009386, MONDO:0015356.

Submission:

Ambry Genetics
Classification: Pathogenic for Cardiovascular phenotype; Hereditary cancer-predisposing syndrome. Last evaluated: 2022-09-27. Review status: criteria provided, single submitter. Criteria: Ambry Variant Classification Scheme 2023. Collection method: clinical testing. Allele origin: germline.
Comment: The c.8066delG pathogenic mutation, located in coding exon 55 of the NF1 gene, results from a deletion of one nucleotide at nucleotide position 8066, causing a translational frameshift with a predicted alternate stop codon (p.G2689Afs*29). This alteration has been observed in at least one individual with a personal and/or family history that is consistent with NF1-related disease (Ambry internal data). This variant is considered to be rare based on population cohorts in the Genome Aggregation Database (gnomAD). This alteration is expected to result in loss of function by premature protein truncation or nonsense-mediated mRNA decay. As such, this alteration is interpreted as a disease-causing mutation.

NM_001042492.3(NF1):c.8129del (p.Gly2710fs)

Gene: NF1 (neurofibromin 1; plus strand). Cytogenetic location: 17q11.2.
Variant type: Deletion.
Coding change: c.8129del on transcript NM_001042492.3 (MANE Select); coding-DNA position 8129, one base deleted (G; older notation c.8129delG).
Protein change: p.Gly2710fs; shifts the reading frame from glycine 2710.
Molecular consequence: frameshift variant.
Genome position (GRCh38, 1-based): chr17:31,358,984, G deleted; the last of 2 consecutive G bases (chr17:31,358,983-31,358,984); deleting either gives the same sequence. VCF-style (leftmost placement, unchanged base first): chr17-31358982-TG-T. GRCh37 (hg19) VCF-style: chr17-29686000-TG-T.
Other names: c.8066delG (NM_000267.3); c.8066delG, p.Gly2689Alafs (NM_000267.4); short protein forms G2689fs, G2710fs.
Identifiers: ClinVar variation 1761854 (VCV001761854.2), dbSNP rs2151585983, ClinGen allele CA2580093499.